The following is an entry in ClinVar:

ClinVar aggregate classification (germline): Uncertain significance (1 of 4 stars; one submission).

Conditions:
5-Oxoprolinase deficiency (OPLAHD). Also called: 5-OXOPROLINURIA DUE TO 5-OXOPROLINASE DEFICIENCY. Identifiers: Orphanet 33572, MedGen C0268525, MONDO:0009825, OMIM 260005, HP:0040142.

gnomAD v4.1: 1 of 1,592,284 alleles (0.000063%); highest among the groups gnomAD compares: Middle Eastern, 0.017%; no homozygotes.

Submission:

Labcorp Genetics (formerly Invitae), Labcorp
Classification: Uncertain significance for 5-Oxoprolinase deficiency. Last evaluated: 2024-07-24. Review status: criteria provided, single submitter. Criteria: Invitae Variant Classification Sherloc (09022015). Collection method: clinical testing. Allele origin: germline.
Comment: This sequence change replaces leucine, which is neutral and non-polar, with arginine, which is basic and polar, at codon 551 of the OPLAH protein (p.Leu551Arg). This variant is not present in population databases (gnomAD no frequency). This variant has not been reported in the literature in individuals affected with OPLAH-related conditions. ClinVar contains an entry for this variant (Variation ID: 1484326). Experimental studies and prediction algorithms are not available or were not evaluated, and the functional significance of this variant is currently unknown. In summary, the available evidence is currently insufficient to determine the role of this variant in disease. Therefore, it has been classified as a Variant of Uncertain Significance.

NM_017570.5(OPLAH):c.1652T>G (p.Leu551Arg)

Gene: OPLAH (5-oxoprolinase, ATP-hydrolysing; minus strand). Cytogenetic location: 8q24.3.
Variant type: single nucleotide variant.
Coding change: c.1652T>G on transcript NM_017570.5 (MANE Select); coding-DNA position 1652, T replaced by G.
Protein change: p.Leu551Arg; replaces leucine 551 with arginine.
Molecular consequence: missense variant.
Genome position (GRCh38, 1-based): chr8:144,057,002, A>C on the plus strand (T>G on the coding strand, the complement: OPLAH is on the minus strand). VCF-style: chr8-144057002-A-C. GRCh37 (hg19) VCF-style: chr8-145111905-A-C.
Other names: short protein forms L551R.
Identifiers: ClinVar variation 1484326 (VCV001484326.6), dbSNP rs2129808075, ClinGen allele CA372559517.
Genomic context (GRCh38, chr8:144,057,002, plus strand): 5'-GCCCACCTGGGGAAGCCCTGGGCCTGCAGAGCATCCACACACTGCTCCTCCAGGCGGCTC[A>C]GCCTCTGGTCCAGCTGCACGAAGGTCTCAGGCGCGTAGAGCAGGGAGCAGGGTTCCTGTG-3'
Protein context (NP_060040.1, residues 541-561): PETFVQLDQR[Leu551Arg]SRLEEQCVDA